The following is an entry in ClinVar:

ClinVar aggregate classification (germline): Likely benign. Review status: criteria provided, multiple submitters, no conflicts (2 of 4 stars). 2 submissions from 2 submitters: Likely benign (2). Last evaluated 2024-06-06.

Conditions:
Hereditary sensory neuropathy-deafness-dementia syndrome. Also called: NEUROPATHY, HEREDITARY SENSORY, WITH HEARING LOSS AND DEMENTIA; Hereditary Sensory and Autonomic Neuropathy Type 1E (HSAN1E); HSN IE; Hereditary sensory neuropathy type IE. Identifiers: Orphanet 456318, MedGen C3279885, MONDO:0013584, OMIM 614116.

Allele frequency attached by ClinVar (database versions not stated): TOPMed 0.00002; gnomAD exomes 0.00004 and 0.00005; gnomAD 0.00005 and 0.00006; ExAC 0.00008; ESP Exome Variant Server 0.00008.
gnomAD v4.1: 78 of 1,613,460 alleles (0.0048%); highest among the groups gnomAD compares: Middle Eastern, 0.05%; no homozygotes.

Submissions (2):

Labcorp Genetics (formerly Invitae), Labcorp
Classification: Likely benign for Hereditary sensory neuropathy-deafness-dementia syndrome. Last evaluated: 2024-06-06. Review status: criteria provided, single submitter. Criteria: Invitae Variant Classification Sherloc (09022015). Collection method: clinical testing. Allele origin: germline.

GeneDx
Classification: Likely benign. Last evaluated: 2017-10-26. Review status: criteria provided, single submitter. Criteria: GeneDx Variant Classification (06012015). Collection method: clinical testing. Allele origin: germline. Affected: yes.
Comment: This variant is considered likely benign or benign based on one or more of the following criteria: it is a conservative change, it occurs at a poorly conserved position in the protein, it is predicted to be benign by multiple in silico algorithms, and/or has population frequency not consistent with disease.

NM_001130823.3(DNMT1):c.2894+15G>A

Gene: DNMT1 (DNA methyltransferase 1; minus strand). Cytogenetic location: 19p13.2.
Variant type: single nucleotide variant.
Coding change: c.2894+15G>A on transcript NM_001130823.3 (MANE Select); 15 bases into the intron after coding-DNA position 2894, G replaced by A.
Molecular consequence: intron variant.
Genome position (GRCh38, 1-based): chr19:10,146,336, C>T on the plus strand (G>A on the coding strand, the complement: DNMT1 is on the minus strand). VCF-style: chr19-10146336-C-T. GRCh37 (hg19) VCF-style: chr19-10257012-C-T.
Other names: c.2894+15G>A (LRG_362t1); c.2531+15G>A (NM_001318731.2); c.2846+15G>A (NM_001379.4, NM_001318730.2).
Identifiers: ClinVar variation 512936 (VCV000512936.8), dbSNP rs370596200, ClinGen allele CA9187916.